The following is an entry in ClinVar:

NM_002103.5(GYS1):c.853AAG[1] (p.Lys286del)

Gene: GYS1 (glycogen synthase 1; minus strand). Cytogenetic location: 19q13.33.
Variant type: Microsatellite.
Coding change: c.853AAG[1] on transcript NM_002103.5 (MANE Select); one copy of the 3-base unit AAG starting at c.853; the reference has two copies in a row; one copy, 3 bases deleted.
Protein change: p.Lys286del; deletes lysine 286.
Molecular consequence: inframe deletion. On other transcripts: non-coding transcript variant (1).
Genome position (GRCh38, 1-based): chr19:48,982,803-48,982,805, CTT deleted on the plus strand (AAG on the coding strand, the reverse complement: GYS1 is on the minus strand); deleting any 3 consecutive bases within chr19:48,982,803-48,982,809 gives the same sequence; the position shown is the placement nearest the transcript's 3' end. VCF-style (leftmost placement, unchanged base first): chr19-48982802-ACTT-A. GRCh37 (hg19) VCF-style: chr19-49486059-ACTT-A.
Other names: c.661AAG[1], p.Lys222del (NM_001161587.2); c.856_858delAAG (NM_002103.4); short protein forms K222del, K286del.
Identifiers: ClinVar variation 1059616 (VCV001059616.9), dbSNP rs760885403, ClinGen allele CA9563189.

ClinVar aggregate classification (germline): Uncertain significance. Review status: criteria provided, multiple submitters, no conflicts (2 of 4 stars). 2 submissions from 2 submitters: Uncertain significance (2). Last evaluated 2023-05-22.

Conditions:
Inborn genetic diseases. Identifiers: MedGen C0950123, MeSH D030342.
Glycogen storage disease due to muscle and heart glycogen synthase deficiency. Also called: MUSCLE GLYCOGEN SYNTHASE DEFICIENCY; GSD 0b. Identifiers: Orphanet 137625, MedGen C1969054, MONDO:0012693, OMIM 611556.

Submissions (2):

Labcorp Genetics (formerly Invitae), Labcorp
Classification: Uncertain significance for Glycogen storage disease due to muscle and heart glycogen synthase deficiency. Last evaluated: 2023-05-22. Review status: criteria provided, single submitter. Criteria: Invitae Variant Classification Sherloc (09022015). Collection method: clinical testing. Allele origin: germline.
Comment: In summary, the available evidence is currently insufficient to determine the role of this variant in disease. Therefore, it has been classified as a Variant of Uncertain Significance. Algorithms developed to predict the effect of sequence changes on RNA splicing suggest that this variant may disrupt the consensus splice site. Experimental studies and prediction algorithms are not available or were not evaluated, and the functional significance of this variant is currently unknown. ClinVar contains an entry for this variant (Variation ID: 1059616). This variant has not been reported in the literature in individuals affected with GYS1-related conditions. This variant is present in population databases (rs760885403, gnomAD 0.04%). This variant, c.856_858del, results in the deletion of 1 amino acid(s) of the GYS1 protein (p.Lys286del), but otherwise preserves the integrity of the reading frame.

Ambry Genetics
Classification: Uncertain significance for Inborn genetic diseases. Last evaluated: 2021-04-02. Review status: criteria provided, single submitter. Criteria: Ambry Variant Classification Scheme 2023. Collection method: clinical testing. Allele origin: germline.
Comment: The c.856_858delAAG (p.K286del) alteration is located in exon 6 (coding exon 6) of the GYS1 gene. This alteration consists of an in-frame deletion of 3 nucleotides between nucleotide positions c.856 and c.858, resulting in the deletion of 1 residue. Based on insufficient or conflicting evidence, the clinical significance of this alteration remains unclear.